The following is an entry in ClinVar:

NM_001164508.2(NEB):c.6318T>C (p.Tyr2106=)

Gene: NEB (nebulin; minus strand). Cytogenetic location: 2q23.3.
Variant type: single nucleotide variant.
Coding change: c.6318T>C on transcript NM_001164508.2 (MANE Select); coding-DNA position 6318, T replaced by C.
Protein change: p.Tyr2106=; no amino-acid change (tyrosine 2106 retained).
Molecular consequence: synonymous variant.
Genome position (GRCh38, 1-based): chr2:151,656,330, A>G on the plus strand (T>C on the coding strand, the complement: NEB is on the minus strand). VCF-style: chr2-151656330-A-G. GRCh37 (hg19) VCF-style: chr2-152512844-A-G.
Other names: c.6318T>C, p.Tyr2106= (NM_001164507.2, NM_001271208.2, NM_004543.5).
Identifiers: ClinVar variation 510273 (VCV000510273.9), dbSNP rs766947078, ClinGen allele CA1910123.

ClinVar aggregate classification (germline): Likely benign. Review status: criteria provided, multiple submitters, no conflicts (2 of 4 stars). 2 submissions from 2 submitters: Likely benign (2). Last evaluated 2025-11-08.

Conditions:
Nemaline myopathy 2 (NEM2). Also called: Nemaline myopathy 2, autosomal recessive. Identifiers: MedGen C1850569, MONDO:0009725, OMIM 256030.

Allele frequency attached by ClinVar (database versions not stated): gnomAD exomes below 0.00001 and 0.00001; ExAC 0.00001; gnomAD 0.00001; TOPMed 0.00001.
gnomAD v4.1: 4 of 1,613,510 alleles (0.00025%); highest among the groups gnomAD compares: Admixed American, 0.0033%; no homozygotes.

Submissions (2):

Labcorp Genetics (formerly Invitae), Labcorp
Classification: Likely benign for Nemaline myopathy 2. Last evaluated: 2025-11-08. Review status: criteria provided, single submitter. Criteria: Invitae Variant Classification Sherloc (09022015). Collection method: clinical testing. Allele origin: germline.

GeneDx
Classification: Likely benign. Last evaluated: 2017-06-16. Review status: criteria provided, single submitter. Criteria: GeneDx Variant Classification (06012015). Collection method: clinical testing. Allele origin: germline. Affected: yes.
Comment: This variant is considered likely benign or benign based on one or more of the following criteria: it is a conservative change, it occurs at a poorly conserved position in the protein, it is predicted to be benign by multiple in silico algorithms, and/or has population frequency not consistent with disease.